The following is an entry in ClinVar:

NM_003227.4(TFR2):c.1606-2A>G

Gene: TFR2 (transferrin receptor 2; minus strand). Cytogenetic location: 7q22.1.
Variant type: single nucleotide variant.
Coding change: c.1606-2A>G on transcript NM_003227.4 (MANE Select); the canonical splice acceptor site of the intron before coding-DNA position 1606, A replaced by G.
Molecular consequence: splice acceptor variant.
Genome position (GRCh38, 1-based): chr7:100,627,822, T>C on the plus strand (A>G on the coding strand, the complement: TFR2 is on the minus strand). VCF-style: chr7-100627822-T-C. GRCh37 (hg19) VCF-style: chr7-100225445-T-C.
Other names: c.1093-2A>G (NM_001206855.3).
Identifiers: ClinVar variation 570407 (VCV000570407.12), dbSNP rs750609759, ClinGen allele CA4386347.

ClinVar aggregate classification (germline): Pathogenic. Review status: criteria provided, multiple submitters, no conflicts (2 of 4 stars). 3 submissions from 3 submitters: Pathogenic (3). Last evaluated 2025-09-15.

Conditions:
Hereditary hemochromatosis (HFE). Identifiers: MedGen C0392514, MONDO:0006507. Disease mechanism: loss of function.
Hemochromatosis type 3 (HFE3). Also called: TFR2-Related Hemochromatosis; Hereditary hemochromatosis type 3; HEMOCHROMATOSIS DUE TO DEFECT IN TRANSFERRIN RECEPTOR 2. Identifiers: Orphanet 225123, MedGen C1858664, MONDO:0011417, OMIM 604250.

Allele frequency attached by ClinVar (database versions not stated): gnomAD 0.00001; ExAC 0.00002; gnomAD exomes 0.00002 and 0.00008; TOPMed 0.00003.
gnomAD v4.1: 117 of 1,613,868 alleles (0.0072%); highest among the groups gnomAD compares: Non-Finnish European, 0.0098%; 1 homozygote.

Submissions (3):

Labcorp Genetics (formerly Invitae), Labcorp
Classification: Pathogenic for Hereditary hemochromatosis. Last evaluated: 2025-09-15. Review status: criteria provided, single submitter. Criteria: Invitae Variant Classification Sherloc (09022015). Collection method: clinical testing. Allele origin: germline.
Comment: This sequence change affects an acceptor splice site in intron 13 of the TFR2 gene. It is expected to disrupt RNA splicing. Variants that disrupt the donor or acceptor splice site typically lead to a loss of protein function (PMID: 16199547), and loss-of-function variants in TFR2 are known to be pathogenic (PMID: 23600741, 26029709). This variant is present in population databases (rs750609759, gnomAD 0.004%). Disruption of this splice site has been observed in individual(s) with type 3 hereditary haemochromatosis (PMID: 28276324). In at least one individual the data is consistent with being in trans (on the opposite chromosome) from a pathogenic variant. ClinVar contains an entry for this variant (Variation ID: 570407). Algorithms developed to predict the effect of sequence changes on RNA splicing suggest that this variant may disrupt the consensus splice site. For these reasons, this variant has been classified as Pathogenic.

Natera, Inc.
Classification: Pathogenic for Hereditary hemochromatosis type 3. Last evaluated: 2025-05-30. Review status: criteria provided, single submitter. Criteria: Natera Variant Classification Schema (03/2026). Collection method: clinical testing. Allele origin: germline.
Comment: The c.1606-2A>G variant in TFR2 is a canonical splice acceptor site variant predicted to affect pre-mRNA splicing, which may result in an abnormal transcript and altered protein product. This variant is expected to result in nonsense mediated decay, truncation, or a dysfunctional protein product. This variant is rare in the general population with a frequency below the threshold expected for the associated phenotype(s). This variant has been observed in one or more individuals affected with the associated recessive disease, as either homozygous or compound heterozygous with a second variant (PMID: 28276324). Given the available evidence, this variant is classified as Pathogenic.

Baylor Genetics
Classification: Pathogenic for Hemochromatosis type 3. Last evaluated: 2024-02-25. Review status: criteria provided, single submitter. Criteria: ACMG Guidelines, 2015. Collection method: clinical testing. Allele origin: unknown.

Literature cited by the submitters: PubMed 16199547 (cited by Labcorp Genetics (formerly Invitae), Labcorp); PubMed 23600741 (cited by Labcorp Genetics (formerly Invitae), Labcorp); PubMed 26029709 (cited by Labcorp Genetics (formerly Invitae), Labcorp); PubMed 28276324 (cited by Labcorp Genetics (formerly Invitae), Labcorp and Natera, Inc.).